The following is an entry in ClinVar:

ClinVar aggregate classification (germline): Uncertain significance (1 of 4 stars; one submission).

Submission:

Labcorp Genetics (formerly Invitae), Labcorp
Classification: Uncertain significance. Last evaluated: 2020-06-23. Review status: criteria provided, single submitter. Criteria: Invitae Variant Classification Sherloc (09022015). Collection method: clinical testing. Allele origin: germline.
Comment: This variant is not present in population databases (ExAC no frequency). This sequence change replaces glycine with cysteine at codon 858 of the COL9A1 protein (p.Gly858Cys). The glycine residue is highly conserved and there is a large physicochemical difference between glycine and cysteine. This variant has not been reported in the literature in individuals with COL9A1-related conditions. Algorithms developed to predict the effect of missense changes on protein structure and function are either unavailable or do not agree on the potential impact of this missense change (SIFT: "Deleterious"; PolyPhen-2: "Probably Damaging"; Align-GVGD: "Class C0"). In summary, the available evidence is currently insufficient to determine the role of this variant in disease. Therefore, it has been classified as a Variant of Uncertain Significance.

NM_001851.6(COL9A1):c.2572G>T (p.Gly858Cys)

Gene: COL9A1 (collagen type IX alpha 1 chain; minus strand). Cytogenetic location: 6q13.
Variant type: single nucleotide variant.
Coding change: c.2572G>T on transcript NM_001851.6 (MANE Select); coding-DNA position 2572, G replaced by T.
Protein change: p.Gly858Cys; replaces glycine 858 with cysteine.
Molecular consequence: missense variant. On other transcripts: non-coding transcript variant (1).
Genome position (GRCh38, 1-based): chr6:70,225,941, C>A on the plus strand (G>T on the coding strand, the complement: COL9A1 is on the minus strand). VCF-style: chr6-70225941-C-A. GRCh37 (hg19) VCF-style: chr6-70935644-C-A.
Other names: c.1843G>T, p.Gly615Cys (NM_078485.4); c.1873G>T, p.Gly625Cys (NM_001377289.1); c.1696G>T, p.Gly566Cys (NM_001377290.1); short protein forms G566C, G615C, G625C, G858C.
Identifiers: ClinVar variation 1026376 (VCV001026376.8), dbSNP rs1769197490, ClinGen allele CA364670199.